The following is an entry in ClinVar:

NM_000812.4(GABRB1):c.740T>C (p.Ile247Thr)

Gene: GABRB1 (gamma-aminobutyric acid type A receptor subunit beta1; plus strand). Cytogenetic location: 4p12.
Variant type: single nucleotide variant.
Coding change: c.740T>C on transcript NM_000812.4 (MANE Select); coding-DNA position 740, T replaced by C.
Protein change: p.Ile247Thr; replaces isoleucine 247 with threonine.
Molecular consequence: missense variant.
Genome position (GRCh38, 1-based): chr4:47,403,616, T>C. VCF-style: chr4-47403616-T-C. GRCh37 (hg19) VCF-style: chr4-47405633-T-C.
Other names: short protein forms I247T.
Identifiers: ClinVar variation 984675 (VCV000984675.3), dbSNP rs1728474004, ClinGen allele CA356810797.

ClinVar aggregate classification (germline): Likely pathogenic. Review status: criteria provided, single submitter (1 of 4 stars). 2 submissions from 2 submitters: Likely pathogenic (1). 1 of the submissions does not count toward it. Last evaluated 2024-09-24.

Conditions:
Developmental and epileptic encephalopathy, 45 (DEE45). Also called: Epileptic encephalopathy, early infantile, 45. Identifiers: MedGen C4310691, MONDO:0014942, OMIM 617153.

Submissions (2):

Labcorp Genetics (formerly Invitae), Labcorp
Classification: Likely pathogenic. Last evaluated: 2024-09-24. Review status: criteria provided, single submitter. Criteria: Invitae Variant Classification Sherloc (09022015). Collection method: clinical testing. Allele origin: germline.
Comment: This sequence change replaces isoleucine, which is neutral and non-polar, with threonine, which is neutral and polar, at codon 247 of the GABRB1 protein (p.Ile247Thr). This variant is not present in population databases (gnomAD no frequency). This missense change has been observed in individual(s) with GABRB1-related conditions (PMID: 31618474). In at least one individual the variant was observed to be de novo. ClinVar contains an entry for this variant (Variation ID: 984675). Invitae Evidence Modeling of protein sequence and biophysical properties (such as structural, functional, and spatial information, amino acid conservation, physicochemical variation, residue mobility, and thermodynamic stability) indicates that this missense variant is not expected to disrupt GABRB1 protein function with a negative predictive value of 80%. In summary, the currently available evidence indicates that the variant is pathogenic, but additional data are needed to prove that conclusively. Therefore, this variant has been classified as Likely Pathogenic.

OMIM
Classification: Pathogenic for DEVELOPMENTAL AND EPILEPTIC ENCEPHALOPATHY 45. Last evaluated: 2020-11-10. Review status: no assertion criteria provided. Collection method: literature only. Allele origin: germline. Not counted in ClinVar's aggregate classification.

Literature cited by the submitters: PubMed 31618474 (cited by Labcorp Genetics (formerly Invitae), Labcorp and OMIM).